The following is an entry in ClinVar:

ClinVar aggregate classification (germline): Pathogenic. Review status: criteria provided, multiple submitters, no conflicts (2 of 4 stars). 4 submissions from 4 submitters: Pathogenic (2). 2 of the submissions do not count toward it. Last evaluated 2023-08-23.

Conditions:
Charcot-Marie-tooth disease, axonal, type 2DD. Also called: CHARCOT-MARIE-TOOTH NEUROPATHY, TYPE 2DD. Identifiers: Orphanet 521414, MedGen C4747974, MONDO:0054833, OMIM 618036.
Charcot-Marie-Tooth disease type 2A2. Also called: CHARCOT-MARIE-TOOTH DISEASE, AXONAL, TYPE 2A2; HEREDITARY MOTOR AND SENSORY NEUROPATHY IIA2; HMSN IIA2; Charcot-Marie-Tooth Neuropathy Type 2A2; CHARCOT-MARIE-TOOTH DISEASE, AXONAL, AUTOSOMAL DOMINANT, TYPE 2A2A; CHARCOT-MARIE-TOOTH DISEASE, NEURONAL, TYPE 2A2. Identifiers: Orphanet 99947, MedGen C4721887, MONDO:0012231, OMIM 609260.

Submissions (4):

Labcorp Genetics (formerly Invitae), Labcorp
Classification: Pathogenic. Last evaluated: 2023-08-23. Review status: criteria provided, single submitter. Criteria: Invitae Variant Classification Sherloc (09022015). Collection method: clinical testing. Allele origin: germline.
Comment: For these reasons, this variant has been classified as Pathogenic. Experimental studies have shown that this missense change affects ATP1A1 function (PMID: 29499166). Advanced modeling of protein sequence and biophysical properties (such as structural, functional, and spatial information, amino acid conservation, physicochemical variation, residue mobility, and thermodynamic stability) performed at Invitae indicates that this missense variant is not expected to disrupt ATP1A1 protein function. ClinVar contains an entry for this variant (Variation ID: 545677). This missense change has been observed in individual(s) with Charcot-Marie-Tooth disease (PMID: 29499166). It has also been observed to segregate with disease in related individuals. This variant is not present in population databases (gnomAD no frequency). This sequence change replaces leucine, which is neutral and non-polar, with arginine, which is basic and polar, at codon 48 of the ATP1A1 protein (p.Leu48Arg).

CeGaT Center for Human Genetics Tuebingen
Classification: Pathogenic. Last evaluated: 2020-04-01. Review status: criteria provided, single submitter. Criteria: CeGaT Center For Human Genetics Tuebingen Variant Classification Criteria Version 2. Collection method: clinical testing. Allele origin: germline. Affected: yes. Observed: 3 variant alleles.

OMIM
Classification: Pathogenic for CHARCOT-MARIE-TOOTH DISEASE, AXONAL, TYPE 2DD. Last evaluated: 2018-06-28. Review status: no assertion criteria provided. Collection method: literature only. Allele origin: germline. Not counted in ClinVar's aggregate classification.

Inherited Neuropathy Consortium Ii, University Of Miami
Classification: Uncertain significance for Charcot-Marie-Tooth disease type 2A2. Last evaluated: 2017-10-07. Review status: no assertion criteria provided. Collection method: literature only. Allele origin: germline. Affected: yes. Not counted in ClinVar's aggregate classification.

Literature cited by the submitters: PubMed 29499166 (cited by Labcorp Genetics (formerly Invitae), Labcorp and OMIM); PubMed 21208200 (cited by Inherited Neuropathy Consortium Ii, University Of Miami).

NM_000701.8(ATP1A1):c.143T>G (p.Leu48Arg)

Gene: ATP1A1 (ATPase Na+/K+ transporting subunit alpha 1; plus strand). Cytogenetic location: 1p13.1.
Variant type: single nucleotide variant.
Coding change: c.143T>G on transcript NM_000701.8 (MANE Select); coding-DNA position 143, T replaced by G.
Protein change: p.Leu48Arg; replaces leucine 48 with arginine.
Molecular consequence: missense variant.
Genome position (GRCh38, 1-based): chr1:116,384,802, T>G. VCF-style: chr1-116384802-T-G. GRCh37 (hg19) VCF-style: chr1-116927424-T-G.
Other names: c.143T>G (NM_001160233.1); c.143T>G, p.Leu48Arg (NM_001160233.2); c.50T>G, p.Leu17Arg (NM_001160234.2); short protein forms L48R, L17R.
Identifiers: ClinVar variation 545677 (VCV000545677.46), dbSNP rs1553190285, ClinGen allele CA341840480.